The following is an entry in ClinVar:

ClinVar aggregate classification (germline): Uncertain significance (1 of 4 stars; one submission).

Conditions:
Inborn genetic diseases. Identifiers: MedGen C0950123, MeSH D030342.

Allele frequency attached by ClinVar (database versions not stated): gnomAD exomes 0.00001; ExAC 0.00004; gnomAD 0.00008; TOPMed 0.00010; 1000 Genomes Project 30x 0.00016; 1000 Genomes Project 0.00020; ESP Exome Variant Server 0.00031.
gnomAD v4.1: 26 of 1,613,888 alleles (0.0016%); highest among the groups gnomAD compares: African/African-American, 0.025%; no homozygotes.

Submission:

Ambry Genetics
Classification: Uncertain significance for Inborn genetic diseases. Last evaluated: 2022-01-07. Review status: criteria provided, single submitter. Criteria: Ambry Variant Classification Scheme 2023. Collection method: clinical testing. Allele origin: germline.
Comment: The c.803+4A>G intronic alteration consists of a A to G substitution 4 nucleotides after exon 8 of the MCCC2 gene. Based on insufficient or conflicting evidence, the clinical significance of this alteration remains unclear.

NM_022132.5(MCCC2):c.803+4A>G

Gene: MCCC2 (methylcrotonyl-CoA carboxylase subunit 2; plus strand). Cytogenetic location: 5q13.2.
Variant type: single nucleotide variant.
Coding change: c.803+4A>G on transcript NM_022132.5 (MANE Select); 4 bases into the intron after coding-DNA position 803, A replaced by G.
Molecular consequence: intron variant.
Genome position (GRCh38, 1-based): chr5:71,632,189, A>G. VCF-style: chr5-71632189-A-G. GRCh37 (hg19) VCF-style: chr5-70928016-A-G.
Other names: c.689+4A>G (NM_001363147.1).
Identifiers: ClinVar variation 2257588 (VCV002257588.2), dbSNP rs372688233, ClinGen allele CA3297888.
Genomic context (GRCh38, chr5:71,632,189, plus strand): 5'-GGCAACTGGGGAAGAAGTATCTGCTGAGGATCTTGGAGGTGCTGATCTTCATTGCAGGTG[A>G]AACAGAAATGGTTGTTTCTTTCCGGGATTGAGTGTCATTTTGTTTGTTTGTTTAAAAGAA-3'